The following is an entry in ClinVar:

NM_001367624.2(ZNF469):c.721A>G (p.Asn241Asp)

Gene: ZNF469 (zinc finger protein 469; plus strand). Cytogenetic location: 16q24.2.
Variant type: single nucleotide variant.
Coding change: c.721A>G on transcript NM_001367624.2 (MANE Select); coding-DNA position 721, A replaced by G.
Protein change: p.Asn241Asp; replaces asparagine 241 with aspartic acid.
Molecular consequence: missense variant.
Genome position (GRCh38, 1-based): chr16:88,428,191, A>G. VCF-style: chr16-88428191-A-G. GRCh37 (hg19) VCF-style: chr16-88494599-A-G.
Other names: NM_001127464.1:c.721A>G; short protein forms N241D.
Identifiers: ClinVar variation 3476242 (VCV003476242.1).

ClinVar aggregate classification (germline): Uncertain significance (1 of 4 stars; one submission).

Conditions:
Cardiovascular phenotype. Identifiers: MedGen CN230736.

gnomAD v4.1: 1 of 1,550,206 alleles (0.000065%); highest among the groups gnomAD compares: Non-Finnish European, 0.000087%; no homozygotes.

Submission:

Ambry Genetics
Classification: Uncertain significance for Cardiovascular phenotype. Last evaluated: 2024-10-19. Review status: criteria provided, single submitter. Criteria: Ambry Variant Classification Scheme 2023. Collection method: clinical testing. Allele origin: germline.
Comment: The p.N241D variant (also known as c.721A>G), located in coding exon 1 of the ZNF469 gene, results from an A to G substitution at nucleotide position 721. The asparagine at codon 241 is replaced by aspartic acid, an amino acid with highly similar properties. This amino acid position is conserved. In addition, this alteration is predicted to be tolerated by in silico analysis. Based on the available evidence, the clinical significance of this variant remains unclear.